The following is an entry in ClinVar:

NM_182931.3(KMT2E):c.2492T>C (p.Ile831Thr)

Gene: KMT2E (lysine methyltransferase 2E (inactive); plus strand). Cytogenetic location: 7q22.3.
Variant type: single nucleotide variant.
Coding change: c.2492T>C on transcript NM_182931.3 (MANE Select); coding-DNA position 2492, T replaced by C.
Protein change: p.Ile831Thr; replaces isoleucine 831 with threonine.
Molecular consequence: missense variant.
Genome position (GRCh38, 1-based): chr7:105,105,899, T>C. VCF-style: chr7-105105899-T-C. GRCh37 (hg19) VCF-style: chr7-104746346-T-C.
Other names: c.2492T>C, p.Ile831Thr (NM_001410908.1, NM_018682.4); short protein forms I831T.
Identifiers: ClinVar variation 4823345 (VCV004823345.4).

ClinVar aggregate classification (germline): Uncertain significance (1 of 4 stars; one submission).

gnomAD v4.1: 1 of 1,613,148 alleles (0.000062%); highest among the groups gnomAD compares: Admixed American, 0.0017%; no homozygotes.

Submission:

CeGaT Center for Human Genetics Tuebingen
Classification: Uncertain significance. Last evaluated: 2026-02-01. Review status: criteria provided, single submitter. Criteria: CeGaT Center For Human Genetics Tuebingen Variant Classification Criteria Version 2. Collection method: clinical testing. Allele origin: germline. Affected: yes. Observed: 1 variant allele.
Comment: KMT2E: PM2, BP4